The following is an entry in ClinVar:

ClinVar aggregate classification (germline): Benign. Review status: criteria provided, multiple submitters, no conflicts (2 of 4 stars). 4 submissions from 4 submitters: Benign (3). 1 of the submissions does not count toward it. Last evaluated 2026-02-01.

Conditions:
HAND2-related disorder. Also called: HAND2-related condition.

Allele frequency attached by ClinVar (database versions not stated): gnomAD exomes 0.01764 and 0.04178; ESP Exome Variant Server 0.05613; gnomAD 0.06945 and 0.07080; ExAC 0.07410; TOPMed 0.07519; 1000 Genomes Project 30x 0.12992; 1000 Genomes Project 0.13099.
gnomAD v4.1: 35,263 of 1,479,684 alleles (2.4%); highest among the groups gnomAD compares: African/African-American, 19%; 2,432 homozygotes.

Submissions (4):

Labcorp Genetics (formerly Invitae), Labcorp
Classification: Benign. Last evaluated: 2026-02-01. Review status: criteria provided, single submitter. Criteria: Invitae Variant Classification Sherloc (09022015). Collection method: clinical testing. Allele origin: germline.

GeneDx
Classification: Benign. Last evaluated: 2021-05-04. Review status: criteria provided, single submitter. Criteria: GeneDx Variant Classification Process June 2021. Collection method: clinical testing. Allele origin: germline. Affected: yes.

Breakthrough Genomics
Classification: Benign. Review status: criteria provided, single submitter. Criteria: ACMG Guidelines, 2015. Collection method: not provided. Allele origin: germline. Inheritance: Unknown mechanism. Affected: yes.

PreventionGenetics, part of Exact Sciences
Classification: Benign for HAND2-related condition. Last evaluated: 2021-01-20. Review status: no assertion criteria provided. Collection method: clinical testing. Allele origin: germline. Not counted in ClinVar's aggregate classification.
Comment: This variant is classified as benign based on ACMG/AMP sequence variant interpretation guidelines (Richards et al. 2015 PMID: 25741868, with internal and published modifications).

NM_021973.3(HAND2):c.153C>G (p.Pro51=)

Genes: HAND2 (heart and neural crest derivatives expressed 2; minus strand), HAND2-AS1 (HAND2 antisense RNA 1; plus strand). Cytogenetic location: 4q34.1.
Variant type: single nucleotide variant.
Coding change: c.153C>G on transcript NM_021973.3 (MANE Select); coding-DNA position 153, C replaced by G.
Protein change: p.Pro51=; no amino-acid change (proline 51 retained).
Molecular consequence: synonymous variant.
Genome position (GRCh38, 1-based): chr4:173,529,137, G>C on the plus strand (C>G on the coding strand, the complement: HAND2 is on the minus strand). VCF-style: chr4-173529137-G-C. GRCh37 (hg19) VCF-style: chr4-174450288-G-C.
Identifiers: ClinVar variation 1263762 (VCV001263762.13), dbSNP rs59621536, ClinGen allele CA3141353.